The following is an entry in ClinVar:

NM_004369.4(COL6A3):c.3590T>G (p.Val1197Gly)

Gene: COL6A3 (collagen type VI alpha 3 chain; minus strand). Cytogenetic location: 2q37.3.
Variant type: single nucleotide variant.
Coding change: c.3590T>G on transcript NM_004369.4 (MANE Select); coding-DNA position 3590, T replaced by G.
Protein change: p.Val1197Gly; replaces valine 1197 with glycine.
Molecular consequence: missense variant.
Genome position (GRCh38, 1-based): chr2:237,374,501, A>C on the plus strand (T>G on the coding strand, the complement: COL6A3 is on the minus strand). VCF-style: chr2-237374501-A-C. GRCh37 (hg19) VCF-style: chr2-238283144-A-C.
Other names: c.2369T>G, p.Val790Gly (NM_057164.5); c.2972T>G, p.Val991Gly (NM_057165.5, NM_057167.4); c.1769T>G, p.Val590Gly (NM_057166.5); short protein forms V790G, V991G, V1197G, V590G.
Identifiers: ClinVar variation 5009185 (VCV005009185.1).

ClinVar aggregate classification (germline): Uncertain significance (1 of 4 stars; one submission).

gnomAD v4.1: 1 of 1,614,096 alleles (0.000062%); highest among the groups gnomAD compares: Non-Finnish European, 0.000085%; no homozygotes.

Submission:

GeneDx
Classification: Uncertain significance. Last evaluated: 2026-03-13. Review status: criteria provided, single submitter. Criteria: GeneDx Variant Classification Process June 2021. Collection method: clinical testing. Allele origin: germline.
Comment: Not observed at significant frequency in large population cohorts (gnomAD); In silico analysis supports that this missense variant has a deleterious effect on protein structure/function; Has not been previously published as pathogenic or benign to our knowledge